The following is an entry in ClinVar:

ClinVar aggregate classification (germline): Benign/Likely benign. Review status: criteria provided, multiple submitters, no conflicts (2 of 4 stars). 2 submissions from 2 submitters: Benign (1); Likely benign (1). Last evaluated 2022-11-01.

Conditions:
Holoprosencephaly 9 (HPE9). Also called: PITUITARY ANOMALIES WITH HOLOPROSENCEPHALY-LIKE FEATURES; HOLOPROSENCEPHALY WITH MICROPHTHALMIA AND FIRST BRANCHIAL ARCH ANOMALIES. Identifiers: Orphanet 2162, MedGen C1835819, MONDO:0012563, OMIM 610829.

Allele frequency attached by ClinVar (database versions not stated): gnomAD exomes 0.00006; gnomAD 0.00011 and 0.00022; TOPMed 0.00017; 1000 Genomes Project 30x 0.00203; 1000 Genomes Project 0.00240.
gnomAD v4.1: 34 of 169,138 alleles (0.02%); highest among the groups gnomAD compares: East Asian, 0.33%; 1 homozygote.

Submissions (2):

CeGaT Center for Human Genetics Tuebingen
Classification: Likely benign. Last evaluated: 2022-11-01. Review status: criteria provided, single submitter. Criteria: CeGaT Center For Human Genetics Tuebingen Variant Classification Criteria Version 2. Collection method: clinical testing. Allele origin: germline. Affected: yes. Observed: 2 variant alleles.
Comment: GLI2: BS1

Illumina Laboratory Services, Illumina
Classification: Benign for Holoprosencephaly 9. Last evaluated: 2018-01-12. Review status: criteria provided, single submitter. Criteria: ICSL Variant Classification Criteria 13 December 2019. Collection method: clinical testing. Allele origin: germline.
Comment: This variant was observed in the ICSL laboratory as part of a predisposition screen in an ostensibly healthy population. It had not been previously curated by ICSL or reported in the Human Gene Mutation Database (HGMD: prior to June 1st, 2018), and was therefore a candidate for classification through an automated scoring system. Utilizing variant allele frequency, disease prevalence and penetrance estimates, and inheritance mode, an automated score was calculated to assess if this variant is too frequent to cause the disease. Based on the score and internal cut-off values, a variant classified as benign is not then subjected to further curation. The score for this variant resulted in a classification of benign for this disease.

NM_001374353.1(GLI2):c.*419C>T

Gene: GLI2 (GLI family zinc finger 2; plus strand). Cytogenetic location: 2q14.2.
Variant type: single nucleotide variant.
Coding change: c.*419C>T on transcript NM_001374353.1 (MANE Select); 419 bases downstream of the stop codon, C replaced by T.
Molecular consequence: 3 prime UTR variant.
Genome position (GRCh38, 1-based): chr2:120,991,094, C>T. VCF-style: chr2-120991094-C-T. GRCh37 (hg19) VCF-style: chr2-121748670-C-T.
Other names: c.*419C>T (NM_001371271.1, NM_001374354.1, NM_005270.5).
Identifiers: ClinVar variation 331004 (VCV000331004.29), dbSNP rs370777016, ClinGen allele CA10612129.
Genomic context (GRCh38, chr2:120,991,094, plus strand): 5'-CAGAAAGATGGTAGGGAGCATTTGGGTTTGAATCTGAATGCTATACTGGATACTCTGCTC[C>T]GGAAAGATGAGCTTTTTATTCTACTACTTGGAAGGAAAAGGAATTCCTGGTCCACCTGAA-3'